The following is an entry in ClinVar:

ClinVar aggregate classification (germline): Pathogenic (1 of 4 stars; one submission).

Conditions:
Fanconi anemia (FA). Also called: Fanconi's anemia. Identifiers: Orphanet 84, MedGen C0015625, MeSH D005199, MONDO:0019391.

Submission:

Labcorp Genetics (formerly Invitae), Labcorp
Classification: Pathogenic for Fanconi anemia. Last evaluated: 2024-11-11. Review status: criteria provided, single submitter. Criteria: Invitae Variant Classification Sherloc (09022015). Collection method: clinical testing. Allele origin: germline.
Comment: This sequence change creates a premature translational stop signal (p.Leu171Argfs*32) in the FANCF gene. While this is not anticipated to result in nonsense mediated decay, it is expected to disrupt the last 204 amino acid(s) of the FANCF protein. This variant is not present in population databases (gnomAD no frequency). This variant has not been reported in the literature in individuals affected with FANCF-related conditions. This variant disrupts a region of the FANCF protein in which other variant(s) (p.Ala180Profs*23) have been determined to be pathogenic (PMID: 11063725, 12649160, 15262960, 17082180). This suggests that this is a clinically significant region of the protein, and that variants that disrupt it are likely to be disease-causing. For these reasons, this variant has been classified as Pathogenic.

Literature cited by the submitters: PubMed 11063725; PubMed 12649160; PubMed 15262960; PubMed 17082180.

NM_022725.4(FANCF):c.512del (p.Leu171fs)

Gene: FANCF (FA complementation group F; minus strand). Cytogenetic location: 11p14.3.
Variant type: Deletion.
Coding change: c.512del on transcript NM_022725.4 (MANE Select); coding-DNA position 512, one base deleted (T; older notation c.512delT).
Protein change: p.Leu171fs; shifts the reading frame from leucine 171.
Molecular consequence: frameshift variant.
Genome position (GRCh38, 1-based): chr11:22,625,299, A deleted on the plus strand (T on the coding strand, the reverse complement: FANCF is on the minus strand). VCF-style (leftmost placement, unchanged base first): chr11-22625298-CA-C. GRCh37 (hg19) VCF-style: chr11-22646844-CA-C.
Other names: short protein forms L171fs.
Identifiers: ClinVar variation 3724996 (VCV003724996.2).
Genomic context (GRCh38, chr11:22,625,298, plus strand): 5'-GCTGCTGAGAAACCTGGCGGGACGCTCCGCTTCGGCCTTCCCCACCTCCTGCAGACGCTC[CA>C]GCAGCAGCTCCGCCTGGGTCTTCATCAGAGAGTCCTCCTGGAGATTTGGGTTCTCTCTAT-3'